The following is an entry in ClinVar:

NM_003793.4(CTSF):c.1315G>A (p.Gly439Ser)

Gene: CTSF (cathepsin F; minus strand). Cytogenetic location: 11q13.2.
Variant type: single nucleotide variant.
Coding change: c.1315G>A on transcript NM_003793.4 (MANE Select); coding-DNA position 1315, G replaced by A.
Protein change: p.Gly439Ser; replaces glycine 439 with serine.
Molecular consequence: missense variant.
Genome position (GRCh38, 1-based): chr11:66,564,564, C>T on the plus strand (G>A on the coding strand, the complement: CTSF is on the minus strand). VCF-style: chr11-66564564-C-T. GRCh37 (hg19) VCF-style: chr11-66332035-C-T.
Other names: short protein forms G439S.
Identifiers: ClinVar variation 1213208 (VCV001213208.16), dbSNP rs140795906, ClinGen allele CA6125242.

ClinVar aggregate classification (germline): Uncertain significance. Review status: criteria provided, multiple submitters, no conflicts (2 of 4 stars). 3 submissions from 3 submitters: Uncertain significance (3). Last evaluated 2026-08-09.

Conditions:
Inborn genetic diseases. Identifiers: MedGen C0950123, MeSH D030342.
Neuronal ceroid lipofuscinosis 13 (CLN13). Also called: CEROID LIPOFUSCINOSIS, NEURONAL, 13 (KUFS TYPE); CLN13 Disease. Identifiers: Orphanet 352709, Orphanet 79262, MedGen C3715049, MONDO:0014147, OMIM 615362.

Allele frequency attached by ClinVar (database versions not stated): ExAC 0.00005; gnomAD 0.00028 and 0.00027; ESP Exome Variant Server 0.00008; TOPMed 0.00026; gnomAD exomes 0.00009.
gnomAD v4.1: 133 of 1,559,938 alleles (0.0085%); highest among the groups gnomAD compares: African/African-American, 0.076%; no homozygotes.

Submissions (3):

GeneDx
Classification: Uncertain significance. Last evaluated: 2026-08-09. Review status: criteria provided, single submitter. Criteria: GeneDx Variant Classification Process June 2021. Collection method: clinical testing. Allele origin: germline.
Comment: In silico analysis supports that this missense variant has a deleterious effect on protein structure/function; Has not been previously published as pathogenic or benign to our knowledge

Ambry Genetics
Classification: Uncertain significance for Inborn genetic diseases. Last evaluated: 2023-12-14. Review status: criteria provided, single submitter. Criteria: Ambry Variant Classification Scheme 2023. Collection method: clinical testing. Allele origin: germline.

Labcorp Genetics (formerly Invitae), Labcorp
Classification: Uncertain significance for Neuronal ceroid lipofuscinosis 13. Last evaluated: 2022-07-27. Review status: criteria provided, single submitter. Criteria: Invitae Variant Classification Sherloc (09022015). Collection method: clinical testing. Allele origin: germline.
Comment: This variant is present in population databases (rs140795906, gnomAD 0.07%). This sequence change replaces glycine, which is neutral and non-polar, with serine, which is neutral and polar, at codon 439 of the CTSF protein (p.Gly439Ser). This variant has not been reported in the literature in individuals affected with CTSF-related conditions. ClinVar contains an entry for this variant (Variation ID: 1213208). Algorithms developed to predict the effect of missense changes on protein structure and function are either unavailable or do not agree on the potential impact of this missense change (SIFT: "Deleterious"; PolyPhen-2: "Probably Damaging"; Align-GVGD: "Class C0"). In summary, the available evidence is currently insufficient to determine the role of this variant in disease. Therefore, it has been classified as a Variant of Uncertain Significance.